The following is an entry in ClinVar:

NM_177559.3(CSNK2A1):c.783C>A (p.Tyr261Ter)

Gene: CSNK2A1 (casein kinase 2 alpha 1; minus strand). Cytogenetic location: 20p13.
Variant type: single nucleotide variant.
Coding change: c.783C>A on transcript NM_177559.3 (MANE Select); coding-DNA position 783, C replaced by A.
Protein change: p.Tyr261Ter; replaces tyrosine 261 with a stop codon.
Molecular consequence: nonsense.
Genome position (GRCh38, 1-based): chr20:488,719, G>T on the plus strand (C>A on the coding strand, the complement: CSNK2A1 is on the minus strand). VCF-style: chr20-488719-G-T. GRCh37 (hg19) VCF-style: chr20-469363-G-T.
Other names: c.783C>A, p.Tyr261Ter (NM_001362770.2, NM_001362771.2, NM_001895.4); c.375C>A, p.Tyr125Ter (NM_177560.3); short protein forms Y261*, Y125*.
Identifiers: ClinVar variation 521073 (VCV000521073.5), dbSNP rs1555761969, ClinGen allele CA407926509.
Genomic context (GRCh38, chr20:488,719, plus strand): 5'-ATTTTGTTTCATGACTTACCTGCCCAAGATATCATTGAAACGTGGATCTAATTCAATGTT[G>T]TATTTGTCAATATAGTCATATAAATCTTCTGTCCCCAGAACCTTGGCTATCCTCACCAAC-3'

ClinVar aggregate classification (germline): Pathogenic (1 of 4 stars; one submission).

Conditions:
Inborn genetic diseases. Identifiers: MedGen C0950123, MeSH D030342.

Submission:

Ambry Genetics
Classification: Pathogenic for Inborn genetic diseases. Last evaluated: 2023-07-25. Review status: criteria provided, single submitter. Criteria: Ambry Variant Classification Scheme 2023. Collection method: clinical testing. Allele origin: germline.
Comment: The c.783C>A (p.Y261*) alteration, located in exon 11 (coding exon 9) of the CSNK2A1 gene, consists of a C to A substitution at nucleotide position 783. This changes the amino acid from a tyrosine (Y) to a stop codon at amino acid position 261. This alteration is expected to result in loss of function by premature protein truncation or nonsense-mediated mRNA decay. This variant was not reported in population-based cohorts in the Genome Aggregation Database (gnomAD). Based on the available evidence, this alteration is classified as pathogenic.